The following is an entry in ClinVar:

NC_000009.12:g.35658018_35658030dup

Gene: RMRP (RNA component of mitochondrial RNA processing endoribonuclease; minus strand). Cytogenetic location: 9p13.3.
Variant type: Duplication.
Genome position: GRCh38 VCF-style: chr9-35658017-C-CCACGTCCTCAGCT. GRCh37 (hg19) VCF-style: chr9-35658014-C-CCACGTCCTCAGCT.
Identifiers: ClinVar variation 2021638 (VCV002021638.4), dbSNP rs2490602971, ClinGen allele CA2580080465.

ClinVar aggregate classification (germline): Pathogenic (1 of 4 stars; one submission).

Conditions:
Anauxetic dysplasia. Identifiers: Orphanet 93347, MedGen C1846796, MONDO:0011773.

Submission:

Labcorp Genetics (formerly Invitae), Labcorp
Classification: Pathogenic for Anauxetic dysplasia. Last evaluated: 2022-08-05. Review status: criteria provided, single submitter. Criteria: Invitae Variant Classification Sherloc (09022015). Collection method: clinical testing. Allele origin: germline.
Comment: For these reasons, this variant has been classified as Pathogenic. While functional studies for this variant have not been reported, experimental analyses using patient derived cells, as well as in vitro transfection studies, have shown that promoter insertions result in silencing of RMRP transcription and reduced expression of the gene product (PMID: 11207361, 16254002). While this particular variant has not been reported in the literature, it is located in the promoter region between the TATA box and the transcription initiation site, and other insertions and duplications immediately upstream of the coding sequence have been reported in individuals affected with cartilage-hair hypoplasia-anauxetic dysplasia (CHH-AD) spectrum disorders (PMID: 16244706, 11207361, 12107819). This variant is not present in population databases (gnomAD no frequency). This variant occurs in the RMRP gene, which encodes an RNA molecule that does not result in a protein product.

Literature cited by the submitters: PubMed 11207361; PubMed 16254002; PubMed 16244706; PubMed 12107819.